The following is an entry in ClinVar:

ClinVar aggregate classification (germline): Uncertain significance (1 of 4 stars; one submission).

Submission:

GeneDx
Classification: Uncertain significance. Last evaluated: 2022-05-05. Review status: criteria provided, single submitter. Criteria: GeneDx Variant Classification Process June 2021. Collection method: clinical testing. Allele origin: germline. Affected: yes.
Comment: Not observed at significant frequency in large population cohorts (gnomAD); In silico analysis supports that this missense variant does not alter protein structure/function; Has not been previously published as pathogenic or benign to our knowledge

NM_005862.3(STAG1):c.265G>C (p.Glu89Gln)

Gene: STAG1 (STAG1 cohesin complex component; minus strand). Cytogenetic location: 3q22.3.
Variant type: single nucleotide variant.
Coding change: c.265G>C on transcript NM_005862.3 (MANE Select); coding-DNA position 265, G replaced by C.
Protein change: p.Glu89Gln; replaces glutamic acid 89 with glutamine.
Molecular consequence: missense variant.
Genome position (GRCh38, 1-based): chr3:136,604,341, C>G on the plus strand (G>C on the coding strand, the complement: STAG1 is on the minus strand). VCF-style: chr3-136604341-C-G. GRCh37 (hg19) VCF-style: chr3-136323183-C-G.
Other names: short protein forms E89Q.
Identifiers: ClinVar variation 1722888 (VCV001722888.2), dbSNP rs2472679087, ClinGen allele CA354744915.
Genomic context (GRCh38, chr3:136,604,341, plus strand): 5'-ATACGTGAAATAAAAACTTAAAATTTACCTGCATTGCACTTTTCCCCAGTTTCACCACCT[C>G]AAATAATGTGACAGGCTCCCCTTCCCCATTCTGTTGAGGGTGTCCATTAGCTCTTCCACG-3'
Protein context (NP_005853.2, residues 79-99): NGEGEPVTLF[Glu89Gln]VVKLGKSAMQ